The following is an entry in ClinVar:

ClinVar aggregate classification (germline): Likely pathogenic. Review status: criteria provided, multiple submitters, no conflicts (2 of 4 stars). 2 submissions from 2 submitters: Likely pathogenic (2). Last evaluated 2024-02-26.

Conditions:
Tumoral calcinosis, hyperphosphatemic, familial, 1. Also called: CALCINOSIS, TUMORAL, WITH HYPERPHOSPHATEMIA; LIPOCALCINOGRANULOMATOSIS; MORBUS TEUTSCHLAENDER; TEUTSCHLAENDER DISEASE, FAMILIAL; TUMORAL CALCINOSIS, PRIMARY HYPERPHOSPHATEMIC; HYPEROSTOSIS WITH HYPERPHOSPHATEMIA. Identifiers: Orphanet 53715, MedGen C4692564, MONDO:0100252, OMIM 211900.

Allele frequency attached by ClinVar (database versions not stated): gnomAD exomes below 0.00001.
gnomAD v4.1: 3 of 1,531,492 alleles (0.0002%); highest among the groups gnomAD compares: Middle Eastern, 0.019%; no homozygotes.

Submissions (2):

Fulgent Genetics
Classification: Likely pathogenic for Tumoral calcinosis, hyperphosphatemic, familial, 1. Last evaluated: 2024-02-26. Review status: criteria provided, single submitter. Criteria: ACMG Guidelines, 2015. Collection method: clinical testing. Allele origin: germline.

Labcorp Genetics (formerly Invitae), Labcorp
Classification: Likely pathogenic. Last evaluated: 2023-02-03. Review status: criteria provided, single submitter. Criteria: Invitae Variant Classification Sherloc (09022015). Collection method: clinical testing. Allele origin: germline.
Comment: This variant is not present in population databases (gnomAD no frequency). This sequence change affects an acceptor splice site in intron 3 of the GALNT3 gene. It is expected to disrupt RNA splicing. Variants that disrupt the donor or acceptor splice site typically lead to a loss of protein function (PMID: 16199547), and loss-of-function variants in GALNT3 are known to be pathogenic (PMID: 15133511, 20358599). This variant has not been reported in the literature in individuals affected with GALNT3-related conditions. Algorithms developed to predict the effect of sequence changes on RNA splicing suggest that this variant may disrupt the consensus splice site. In summary, the currently available evidence indicates that the variant is pathogenic, but additional data are needed to prove that conclusively. Therefore, this variant has been classified as Likely Pathogenic.

Literature cited by the submitters: PubMed 16199547 (cited by Labcorp Genetics (formerly Invitae), Labcorp); PubMed 15133511 (cited by Labcorp Genetics (formerly Invitae), Labcorp); PubMed 20358599 (cited by Labcorp Genetics (formerly Invitae), Labcorp).

NM_004482.4(GALNT3):c.689-2A>G

Gene: GALNT3 (polypeptide N-acetylgalactosaminyltransferase 3; minus strand). Cytogenetic location: 2q24.3.
Variant type: single nucleotide variant.
Coding change: c.689-2A>G on transcript NM_004482.4 (MANE Select); the canonical splice acceptor site of the intron before coding-DNA position 689, A replaced by G.
Molecular consequence: splice acceptor variant.
Genome position (GRCh38, 1-based): chr2:165,762,056, T>C on the plus strand (A>G on the coding strand, the complement: GALNT3 is on the minus strand). VCF-style: chr2-165762056-T-C. GRCh37 (hg19) VCF-style: chr2-166618566-T-C.
Identifiers: ClinVar variation 2834157 (VCV002834157.4), dbSNP rs891991167, ClinGen allele CA59750382.